The following is an entry in ClinVar:

ClinVar aggregate classification (germline): Conflicting classifications of pathogenicity. Review status: criteria provided, conflicting classifications (1 of 4 stars). 3 submissions from 3 submitters: Uncertain significance (2); Likely benign (1). Last evaluated 2025-12-22.

Conditions:
Left ventricular noncompaction 1 (LVNC1). Also called: LEFT VENTRICULAR NONCOMPACTION 1 WITH OR WITHOUT CONGENITAL HEART DEFECTS. Identifiers: Orphanet 54260, MedGen C1858725, MONDO:0011403, OMIM 604169.

Allele frequency attached by ClinVar (database versions not stated): gnomAD exomes 0.00002 and 0.00004; gnomAD 0.00003; TOPMed 0.00005.
gnomAD v4.1: 65 of 1,613,788 alleles (0.004%); highest among the groups gnomAD compares: Non-Finnish European, 0.0052%; no homozygotes.

Submissions (3):

Labcorp Genetics (formerly Invitae), Labcorp
Classification: Uncertain significance for Left ventricular noncompaction 1. Last evaluated: 2025-12-22. Review status: criteria provided, single submitter. Criteria: Invitae Variant Classification Sherloc (09022015). Collection method: clinical testing. Allele origin: germline.
Comment: This sequence change replaces methionine, which is neutral and non-polar, with isoleucine, which is neutral and non-polar, at codon 628 of the DTNA protein (p.Met628Ile). This variant is present in population databases (rs749109824, gnomAD 0.004%). This variant has not been reported in the literature in individuals affected with DTNA-related conditions. ClinVar contains an entry for this variant (Variation ID: 222596). An algorithm developed to predict the effect of missense changes on protein structure and function (PolyPhen-2) suggests that this variant is likely to be disruptive. In summary, the available evidence is currently insufficient to determine the role of this variant in disease. Therefore, it has been classified as a Variant of Uncertain Significance.

Blueprint Genetics
Classification: Likely benign. Last evaluated: 2024-04-26. Review status: criteria provided, single submitter. Criteria: ACMG Guidelines, 2015. Collection method: clinical testing. Allele origin: germline.

GeneDx
Classification: Uncertain significance. Last evaluated: 2017-06-30. Review status: criteria provided, single submitter. Criteria: GeneDx Variant Classification (06012015). Collection method: clinical testing. Allele origin: germline. Affected: yes.
Comment: A variant of uncertain significance has been identified in the DTNA gene. The M628I variant has not been published as a pathogenic variant, nor has it been reported as a benign variant to our knowledge. It was not observed in approximately 6,500 individuals of European and African American ancestry in the NHLBI Exome Sequencing Project, indicating it is not a common benign variant in these populations. Although M628I is a conservative amino acid substitution, which is not likely to impact secondary protein structure as these residues share similar properties, this substitution nonetheless occurs at a position where methionine (M) is conserved across species. Consequently, in silico analysis predicts this variant is probably damaging to the protein structure/function. Nonetheless, this variant lacks observation in a significant number of affected individuals, segregation data, and functional evidence, all of which would further clarify pathogenicity. Finally, M628I is classified in ClinVar as a variant of uncertain significance by an external clinical laboratory (SCV000263892.1; Landrum et al., 2016).Therefore, based on the currently available information, it is unclear whether this variant is pathogenic or rare benign.

NM_001386795.1(DTNA):c.1965G>A (p.Met655Ile)

Gene: DTNA (dystrobrevin alpha; plus strand). Cytogenetic location: 18q12.1.
Variant type: single nucleotide variant.
Coding change: c.1965G>A on transcript NM_001386795.1 (MANE Select); coding-DNA position 1965, G replaced by A.
Protein change: p.Met655Ile; replaces methionine 655 with isoleucine.
Molecular consequence: missense variant.
Genome position (GRCh38, 1-based): chr18:34,877,780, G>A. VCF-style: chr18-34877780-G-A. GRCh37 (hg19) VCF-style: chr18-32457744-G-A.
Other names: c.1704G>A, p.Met568Ile (NM_001198938.2, NM_001198940.2, NM_001386753.1 and 5 more transcripts); c.1725G>A, p.Met575Ile (NM_001198939.2); c.1011G>A, p.Met337Ile (NM_001198942.1); c.954G>A, p.Met318Ile (NM_001198943.1); c.840G>A, p.Met280Ile (NM_001198944.1); c.1794G>A, p.Met598Ile (NM_001386754.1, NM_001386755.1, NM_001386756.1 and 3 more transcripts); c.1791G>A, p.Met597Ile (NM_001386760.1); c.1713G>A, p.Met571Ile (NM_001386761.1, NM_032975.4); and 5 more; short protein forms M571I, M628I, M276I, M337I, M568I, M280I, M318I, M575I.
Identifiers: ClinVar variation 222596 (VCV000222596.6), dbSNP rs749109824, ClinGen allele CA078578.